The following is an entry in ClinVar:

ClinVar aggregate classification (germline): Likely benign (0 of 4 stars; one submission).

Conditions:
AFF4-related disorder. Also called: AFF4-related condition.

Submission:

PreventionGenetics, part of Exact Sciences
Classification: Likely benign for AFF4-related condition. Last evaluated: 2021-10-28. Review status: no assertion criteria provided. Collection method: clinical testing. Allele origin: germline.
Comment: This variant is classified as likely benign based on ACMG/AMP sequence variant interpretation guidelines (Richards et al. 2015 PMID: 25741868, with internal and published modifications).

NM_014423.4(AFF4):c.21T>C (p.Asn7=)

Gene: AFF4 (ALF transcription elongation factor 4; minus strand). Cytogenetic location: 5q31.1.
Variant type: single nucleotide variant.
Coding change: c.21T>C on transcript NM_014423.4 (MANE Select); coding-DNA position 21, T replaced by C.
Protein change: p.Asn7=; no amino-acid change (asparagine 7 retained).
Molecular consequence: synonymous variant.
Genome position (GRCh38, 1-based): chr5:132,937,169, A>G on the plus strand (T>C on the coding strand, the complement: AFF4 is on the minus strand). VCF-style: chr5-132937169-A-G. GRCh37 (hg19) VCF-style: chr5-132272861-A-G.
Identifiers: ClinVar variation 3358485 (VCV003358485.1).